The following is an entry in ClinVar:

NM_004186.5(SEMA3F):c.249C>T (p.His83=)

Gene: SEMA3F (semaphorin 3F; plus strand). Cytogenetic location: 3p21.31.
Variant type: single nucleotide variant.
Coding change: c.249C>T on transcript NM_004186.5 (MANE Select); coding-DNA position 249, C replaced by T.
Protein change: p.His83=; no amino-acid change (histidine 83 retained).
Molecular consequence: synonymous variant.
Genome position (GRCh38, 1-based): chr3:50,173,929, C>T. VCF-style: chr3-50173929-C-T. GRCh37 (hg19) VCF-style: chr3-50211362-C-T.
Other names: c.45C>T, p.His15= (NM_001318798.2); c.249C>T, p.His83= (NM_001318800.2).
Identifiers: ClinVar variation 4981283 (VCV004981283.1).

ClinVar aggregate classification (germline): Likely benign (1 of 4 stars; one submission).

Conditions:
SEMA3F-related disorder. Also called: SEMA3F-related condition.

gnomAD v4.1: 5 of 1,613,996 alleles (0.00031%); highest among the groups gnomAD compares: East Asian, 0.0045%; no homozygotes.

Submission:

PreventionGenetics, part of Exact Sciences
Classification: Likely benign for SEMA3F-related condition. Last evaluated: 2026-01-04. Review status: criteria provided, single submitter. Criteria: ACMG Guidelines, 2015. Collection method: clinical testing. Allele origin: germline.
Comment: This variant is classified as likely benign based on ACMG/AMP sequence variant interpretation guidelines (Richards et al. 2015 PMID: 25741868, with internal and published modifications).